The following is an entry in ClinVar:

ClinVar aggregate classification (germline): Uncertain significance (1 of 4 stars; one submission).

Conditions:
Cohen syndrome (COH1). Also called: PEPPER SYNDROME; Cutis verticis gyrata, retinitis pigmentosa, and sensorineural deafness. Identifiers: Orphanet 193, MedGen C0265223, MONDO:0008999, OMIM 216550.

Submission:

Labcorp Genetics (formerly Invitae), Labcorp
Classification: Uncertain significance for Cohen syndrome. Last evaluated: 2021-11-25. Review status: criteria provided, single submitter. Criteria: Invitae Variant Classification Sherloc (09022015). Collection method: clinical testing. Allele origin: germline.
Comment: This sequence change replaces glutamine, which is neutral and polar, with histidine, which is basic and polar, at codon 3918 of the VPS13B protein (p.Gln3918His). This variant is not present in population databases (gnomAD no frequency). This variant has not been reported in the literature in individuals affected with VPS13B-related conditions. Algorithms developed to predict the effect of missense changes on protein structure and function are either unavailable or do not agree on the potential impact of this missense change (SIFT: "Not Available"; PolyPhen-2: "Benign"; Align-GVGD: "Not Available"). In summary, the available evidence is currently insufficient to determine the role of this variant in disease. Therefore, it has been classified as a Variant of Uncertain Significance.

NM_152564.5(VPS13B):c.11679G>C (p.Gln3893His)

Gene: VPS13B (vacuolar protein sorting 13 homolog B; plus strand). Cytogenetic location: 8q22.2.
Variant type: single nucleotide variant.
Coding change: c.11679G>C on transcript NM_152564.5 (MANE Select); coding-DNA position 11679, G replaced by C.
Protein change: p.Gln3893His; replaces glutamine 3893 with histidine.
Molecular consequence: missense variant.
Genome position (GRCh38, 1-based): chr8:99,871,631, G>C. VCF-style: chr8-99871631-G-C. GRCh37 (hg19) VCF-style: chr8-100883859-G-C.
Other names: c.11754G>C, p.Gln3918His (NM_017890.5); short protein forms Q3918H, Q3893H.
Identifiers: ClinVar variation 1490882 (VCV001490882.3), dbSNP rs779149986, ClinGen allele CA371794840.